The following is an entry in ClinVar:

NM_024652.6(LRRK1):c.5045C>T (p.Ala1682Val)

Genes: LRRK1 (leucine rich repeat kinase 1; plus strand), LRRK1-AS1 (LRRK1 antisense RNA 1; minus strand). Cytogenetic location: 15q26.3.
Variant type: single nucleotide variant.
Coding change: c.5045C>T on transcript NM_024652.6 (MANE Select); coding-DNA position 5045, C replaced by T.
Protein change: p.Ala1682Val; replaces alanine 1682 with valine.
Molecular consequence: missense variant.
Genome position (GRCh38, 1-based): chr15:101,065,482, C>T. VCF-style: chr15-101065482-C-T. GRCh37 (hg19) VCF-style: chr15-101605687-C-T.
Other names: c.5045C>T (NM_024652.3); short protein forms A1682V.
Identifiers: ClinVar variation 1359206 (VCV001359206.6), dbSNP rs368322542, ClinGen allele CA7762058.
Genomic context (GRCh38, chr15:101,065,482, plus strand): 5'-CAAAGGACAGCTGCTCCTACCTGTGCTCACACACAGCCAACAGGTCCAAGTTCAGCATCG[C>T]GGATGAAGACGCACGGCAGAACCCCTACCCAGTGAAGGCCATGGAGGTGGTCAACAGCGG-3'
Protein context (NP_078928.3, residues 1672-1692): HTANRSKFSI[Ala1682Val]DEDARQNPYP

ClinVar aggregate classification (germline): Uncertain significance. Review status: criteria provided, multiple submitters, no conflicts (2 of 4 stars). 2 submissions from 2 submitters: Uncertain significance (2). Last evaluated 2025-08-01.

Conditions:
Inborn genetic diseases. Identifiers: MedGen C0950123, MeSH D030342.

Allele frequency attached by ClinVar (database versions not stated): ExAC 0.00004; gnomAD exomes 0.00004 and 0.00006; TOPMed 0.00006; ESP Exome Variant Server 0.00008; gnomAD 0.00008; 1000 Genomes Project 30x 0.00016; 1000 Genomes Project 0.00020.
gnomAD v4.1: 75 of 1,614,236 alleles (0.0046%); highest among the groups gnomAD compares: Middle Eastern, 0.082%; 1 homozygote.

Submissions (2):

Ambry Genetics
Classification: Uncertain significance for Inborn genetic diseases. Last evaluated: 2025-08-01. Review status: criteria provided, single submitter. Criteria: Ambry Variant Classification Scheme 2023. Collection method: clinical testing. Allele origin: germline.

Labcorp Genetics (formerly Invitae), Labcorp
Classification: Uncertain significance. Last evaluated: 2021-08-14. Review status: criteria provided, single submitter. Criteria: Invitae Variant Classification Sherloc (09022015). Collection method: clinical testing. Allele origin: germline.
Comment: This sequence change replaces alanine with valine at codon 1682 of the LRRK1 protein (p.Ala1682Val). The alanine residue is weakly conserved and there is a small physicochemical difference between alanine and valine. This variant is present in population databases (rs368322542, ExAC 0.02%). This variant has not been reported in the literature in individuals affected with LRRK1-related conditions. Algorithms developed to predict the effect of missense changes on protein structure and function (SIFT, PolyPhen-2, Align-GVGD) all suggest that this variant is likely to be tolerated. In summary, the available evidence is currently insufficient to determine the role of this variant in disease. Therefore, it has been classified as a Variant of Uncertain Significance.